The following is an entry in ClinVar:

NM_024675.4(PALB2):c.2566C>T (p.Gln856Ter)

Gene: PALB2 (partner and localizer of BRCA2; minus strand). Cytogenetic location: 16p12.2.
Variant type: single nucleotide variant.
Coding change: c.2566C>T on transcript NM_024675.4 (MANE Select); coding-DNA position 2566, C replaced by T.
Protein change: p.Gln856Ter; replaces glutamine 856 with a stop codon.
Molecular consequence: nonsense.
Genome position (GRCh38, 1-based): chr16:23,629,224, G>A on the plus strand (C>T on the coding strand, the complement: PALB2 is on the minus strand). VCF-style: chr16-23629224-G-A. GRCh37 (hg19) VCF-style: chr16-23640545-G-A.
Other names: short protein forms Q856*.
Identifiers: ClinVar variation 659155 (VCV000659155.19), dbSNP rs770996884, ClinGen allele CA7963540.

ClinVar aggregate classification (germline): Pathogenic/Likely pathogenic. Review status: criteria provided, multiple submitters, no conflicts (2 of 4 stars). 6 submissions from 6 submitters: Pathogenic (4); Likely pathogenic (2). Last evaluated 2026-01-06.

Conditions:
Familial cancer of breast. Also called: Hereditary breast cancer; BREAST CANCER, FAMILIAL; hereditary breast carcinoma. Identifiers: Orphanet 227535, MedGen C0346153, MONDO:0016419, OMIM 114480. Disease mechanism: loss of function.
Hereditary cancer-predisposing syndrome. Also called: Neoplastic Syndromes, Hereditary; Hereditary neoplastic syndrome; Tumor predisposition; Hereditary Cancer Syndrome. Identifiers: Orphanet 140162, MedGen C0027672, MeSH D009386, MONDO:0015356.

Allele frequency attached by ClinVar (database versions not stated): gnomAD exomes below 0.00001; ExAC 0.00001.
gnomAD v4.1: 1 of 1,613,428 alleles (0.000062%); highest among the groups gnomAD compares: Non-Finnish European, 0.000085%; no homozygotes.

Submissions (6):

Ambry Genetics
Classification: Pathogenic for Hereditary cancer-predisposing syndrome. Last evaluated: 2026-01-06. Review status: criteria provided, single submitter. Criteria: Ambry Variant Classification Scheme 2023. Collection method: clinical testing. Allele origin: germline.
Comment: The p.Q856* pathogenic mutation (also known as c.2566C>T), located in coding exon 6 of the PALB2 gene, results from a C to T substitution at nucleotide position 2566. This changes the amino acid from a glutamine to a stop codon within coding exon 6. This alteration is expected to result in loss of function by premature protein truncation or nonsense-mediated mRNA decay. As such, this alteration is interpreted as a disease-causing mutation.

Labcorp Genetics (formerly Invitae), Labcorp
Classification: Pathogenic for Familial cancer of breast. Last evaluated: 2025-07-28. Review status: criteria provided, single submitter. Criteria: Invitae Variant Classification Sherloc (09022015). Collection method: clinical testing. Allele origin: germline.
Comment: This sequence change creates a premature translational stop signal (p.Gln856*) in the PALB2 gene. It is expected to result in an absent or disrupted protein product. Loss-of-function variants in PALB2 are known to be pathogenic (PMID: 17200668, 17200671, 17200672, 24136930, 25099575). This variant is present in population databases (rs770996884, gnomAD 0.006%). This variant has not been reported in the literature in individuals affected with PALB2-related conditions. ClinVar contains an entry for this variant (Variation ID: 659155). Algorithms developed to predict the effect of sequence changes on RNA splicing suggest that this variant may disrupt the consensus splice site. For these reasons, this variant has been classified as Pathogenic.

Myriad Genetics, Inc.
Classification: Pathogenic for Familial cancer of breast. Last evaluated: 2023-09-13. Review status: criteria provided, single submitter. Criteria: Myriad Autosomal Dominant, Autosomal Recessive and X-Linked Classification Criteria (2023). Collection method: clinical testing. Allele origin: unknown.
Comment: This variant is considered pathogenic. This variant creates a termination codon and is predicted to result in premature protein truncation.

Baylor Genetics
Classification: Pathogenic for Familial cancer of breast. Last evaluated: 2021-12-20. Review status: criteria provided, single submitter. Criteria: ACMG Guidelines, 2015. Collection method: clinical testing. Allele origin: unknown.

Mendelics
Classification: Likely pathogenic for Familial cancer of breast. Last evaluated: 2019-05-28. Review status: criteria provided, single submitter. Criteria: Mendelics Assertion Criteria 2017. Collection method: clinical testing. Allele origin: unknown.

Laboratory for Molecular Medicine, Mass General Brigham Personalized Medicine
Classification: Likely pathogenic for Familial cancer of breast. Last evaluated: 2018-03-23. Review status: criteria provided, single submitter. Criteria: ACMG Guidelines, 2015. Collection method: clinical testing. Allele origin: germline. Inheritance: Autosomal dominant inheritance.
Comment: The p.Gln856X variant in PALB2 has not been previously reported in individuals with breast cancer or pancreatic cancer. It has been identified in 1/17248 East Asian chromosomes by the Genome Aggregation Database (gnomAD; dbSNP rs770996884). This nonsense variant leads to a premature termination codon at position 856, which is predicted to lead to a truncated or absent protein. Heterozygous loss of function of the PALB2 gene is an established disease mechanism in inherited predisposition to breast cancer. In summary, although additional studies are required to fully establish its clinical significance, the p.Gln856X variant is likely pathogenic. ACMG/AMP Criteria applied: PVS1, PM2.

Literature cited by the submitters: PubMed 17200668 (cited by Labcorp Genetics (formerly Invitae), Labcorp); PubMed 17200671 (cited by Labcorp Genetics (formerly Invitae), Labcorp); PubMed 17200672 (cited by Labcorp Genetics (formerly Invitae), Labcorp); PubMed 24136930 (cited by Labcorp Genetics (formerly Invitae), Labcorp); PubMed 25099575 (cited by Labcorp Genetics (formerly Invitae), Labcorp).